The following is an entry in ClinVar:

ClinVar aggregate classification (germline): Pathogenic (1 of 4 stars; one submission).

Conditions:
Familial cancer of breast. Also called: BREAST CANCER, FAMILIAL; Hereditary breast cancer; hereditary breast carcinoma. Identifiers: Orphanet 227535, MedGen C0346153, MONDO:0016419, OMIM 114480. Disease mechanism: loss of function.

Submission:

Myriad Genetics, Inc.
Classification: Pathogenic for Familial cancer of breast. Last evaluated: 2024-01-24. Review status: criteria provided, single submitter. Criteria: Myriad Autosomal Dominant, Autosomal Recessive and X-Linked Classification Criteria (2023). Collection method: clinical testing. Allele origin: unknown.
Comment: This variant is considered pathogenic. This variant creates a termination codon and is predicted to result in premature protein truncation.

NM_000051.4(ATM):c.4823T>A (p.Leu1608Ter)

Gene: ATM (ATM serine/threonine kinase; plus strand). Cytogenetic location: 11q22.3.
Variant type: single nucleotide variant.
Coding change: c.4823T>A on transcript NM_000051.4 (MANE Select); coding-DNA position 4823, T replaced by A.
Protein change: p.Leu1608Ter; replaces leucine 1608 with a stop codon.
Molecular consequence: nonsense.
Genome position (GRCh38, 1-based): chr11:108,294,973, T>A. VCF-style: chr11-108294973-T-A. GRCh37 (hg19) VCF-style: chr11-108165700-T-A.
Other names: c.4823T>A, p.Leu1608Ter (NM_001351834.2); short protein forms L1608*.
Identifiers: ClinVar variation 3148519 (VCV003148519.1), dbSNP rs2135835079, ClinGen allele CA382536710.